The following is an entry in ClinVar:

NM_024675.4(PALB2):c.378A>T (p.Glu126Asp)

Gene: PALB2 (partner and localizer of BRCA2; minus strand). Cytogenetic location: 16p12.2.
Variant type: single nucleotide variant.
Coding change: c.378A>T on transcript NM_024675.4 (MANE Select); coding-DNA position 378, A replaced by T.
Protein change: p.Glu126Asp; replaces glutamic acid 126 with aspartic acid.
Molecular consequence: missense variant.
Genome position (GRCh38, 1-based): chr16:23,636,168, T>A on the plus strand (A>T on the coding strand, the complement: PALB2 is on the minus strand). VCF-style: chr16-23636168-T-A. GRCh37 (hg19) VCF-style: chr16-23647489-T-A.
Other names: c.318A>T, p.Glu106Asp (NM_001407296.1); c.378A>T, p.Glu126Asp (NM_001407297.1, NM_001407298.1, NM_001407299.1 and 3 more transcripts); c.-508A>T (NM_001407304.1, NM_001407305.1, NM_001407306.1 and 5 more transcripts); short protein forms E126D, E106D.
Identifiers: ClinVar variation 1734916 (VCV001734916.2), dbSNP rs2142444796, ClinGen allele CA395137495.

ClinVar aggregate classification (germline): Uncertain significance (1 of 4 stars; one submission).

Conditions:
Hereditary cancer-predisposing syndrome. Also called: Neoplastic Syndromes, Hereditary; Tumor predisposition; Hereditary Cancer Syndrome; Hereditary neoplastic syndrome. Identifiers: Orphanet 140162, MedGen C0027672, MeSH D009386, MONDO:0015356.

Submission:

Ambry Genetics
Classification: Uncertain significance for Hereditary cancer-predisposing syndrome. Last evaluated: 2017-10-09. Review status: criteria provided, single submitter. Criteria: Ambry Variant Classification Scheme 2023. Collection method: clinical testing. Allele origin: germline.
Comment: The p.E126D variant (also known as c.378A>T), located in coding exon 4 of the PALB2 gene, results from an A to T substitution at nucleotide position 378. The glutamic acid at codon 126 is replaced by aspartic acid, an amino acid with highly similar properties. This amino acid position is well conserved in available vertebrate species. In addition, this alteration is predicted to be tolerated by in silico analysis. Since supporting evidence is limited at this time, the clinical significance of this alteration remains unclear.